The following is an entry in ClinVar:

NM_024652.6(LRRK1):c.1118-4_1118-3del

Gene: LRRK1 (leucine rich repeat kinase 1; plus strand). Cytogenetic location: 15q26.3.
Variant type: Deletion.
Coding change: c.1118-4_1118-3del on transcript NM_024652.6 (MANE Select); 4 bases into the intron before coding-DNA position 1118 through 3 bases into the intron before coding-DNA position 1118, 2 bases deleted (TT; older notation c.1118-4_1118-3delTT).
Molecular consequence: intron variant.
Genome position (GRCh38, 1-based): chr15:101,010,670-101,010,671, TT deleted; deleting any 2 consecutive bases within chr15:101,010,657-101,010,671 gives the same sequence; the c. name uses the placement nearest the transcript's 3' end. VCF-style (leftmost placement, unchanged base first): chr15-101010656-CTT-C. GRCh37 (hg19) VCF-style: chr15-101550861-CTT-C.
Other names: NC_000015.9:g.101550875_101550876del.
Identifiers: ClinVar variation 3058876 (VCV003058876.3), dbSNP rs11300776, ClinGen allele CA7760797.

ClinVar aggregate classification (germline): Benign (0 of 4 stars; one submission).

Conditions:
LRRK1-related disorder. Also called: LRRK1-related condition.

Submissions (2):

PreventionGenetics, part of Exact Sciences
Classification: Benign for LRRK1-related condition. Last evaluated: 2020-01-02. Review status: no assertion criteria provided. Collection method: clinical testing. Allele origin: germline.
Comment: This variant is classified as benign based on ACMG/AMP sequence variant interpretation guidelines (Richards et al. 2015 PMID: 25741868, with internal and published modifications).

Dr. Peter K. Rogan Lab, Western University
No classification provided (evidence only). Condition: Malignant tumor of esophagus. Review status: no classification provided. Collection method: in vitro. Allele origin: not applicable. Functional consequence: retained intron. Not counted in ClinVar's aggregate classification.